The following is an entry in ClinVar:

NM_002076.4(GNS):c.792+1G>A

Gene: GNS (glucosamine (N-acetyl)-6-sulfatase; minus strand). Cytogenetic location: 12q14.3.
Variant type: single nucleotide variant.
Coding change: c.792+1G>A on transcript NM_002076.4 (MANE Select); the canonical splice donor site of the intron after coding-DNA position 792, G replaced by A.
Molecular consequence: splice donor variant.
Genome position (GRCh38, 1-based): chr12:64,743,140, C>T on the plus strand (G>A on the coding strand, the complement: GNS is on the minus strand). VCF-style: chr12-64743140-C-T. GRCh37 (hg19) VCF-style: chr12-65136920-C-T.
Identifiers: ClinVar variation 2018370 (VCV002018370.4), dbSNP rs2539523565, ClinGen allele CA385608759.

ClinVar aggregate classification (germline): Likely pathogenic (1 of 4 stars; one submission).

Conditions:
Mucopolysaccharidosis, MPS-III-D (MPS3D). Also called: N-ACETYLGLUCOSAMINE-6-SULFATASE DEFICIENCY; SANFILIPPO SYNDROME D; MPS III D; Mucopoly-saccharidosis type 3D; N-acetylglucosamine-6-sulfate sulfatase deficiency; MPS 3D. Identifiers: Orphanet 581, Orphanet 79272, MedGen C0086650, MONDO:0009658, OMIM 252940.

Allele frequency attached by ClinVar (database versions not stated): gnomAD exomes below 0.00001.
gnomAD v4.1: 1 of 1,608,098 alleles (0.000062%); highest among the groups gnomAD compares: Non-Finnish European, 0.000085%; no homozygotes.

Submission:

Labcorp Genetics (formerly Invitae), Labcorp
Classification: Likely pathogenic for Mucopolysaccharidosis, MPS-III-D. Last evaluated: 2025-02-03. Review status: criteria provided, single submitter. Criteria: Invitae Variant Classification Sherloc (09022015). Collection method: clinical testing. Allele origin: germline.
Comment: This sequence change affects a donor splice site in intron 6 of the GNS gene. It is expected to disrupt RNA splicing. Variants that disrupt the donor or acceptor splice site typically lead to a loss of protein function (PMID: 16199547), and loss-of-function variants in GNS are known to be pathogenic (PMID: 20232353). This variant is not present in population databases (gnomAD no frequency). This variant has not been reported in the literature in individuals affected with GNS-related conditions. ClinVar contains an entry for this variant (Variation ID: 2018370). Algorithms developed to predict the effect of sequence changes on RNA splicing suggest that this variant may disrupt the consensus splice site. In summary, the currently available evidence indicates that the variant is pathogenic, but additional data are needed to prove that conclusively. Therefore, this variant has been classified as Likely Pathogenic.

Literature cited by the submitters: PubMed 16199547; PubMed 20232353.